The following is an entry in ClinVar:

ClinVar aggregate classification (germline): Benign. Review status: criteria provided, multiple submitters, no conflicts (2 of 4 stars). 2 submissions from 2 submitters: Benign (2). Last evaluated 2019-01-10.

Allele frequency attached by ClinVar (database versions not stated): ESP Exome Variant Server 0.37819; TOPMed 0.42738; 1000 Genomes Project 30x 0.48688; 1000 Genomes Project 0.49780.

Submissions (2):

GeneDx
Classification: Benign. Last evaluated: 2019-01-10. Review status: criteria provided, single submitter. Criteria: GeneDx Variant Classification Process June 2021. Collection method: clinical testing. Allele origin: germline. Affected: yes.
Comment: This variant is associated with the following publications: (PMID: 22593246, 19950226)

Breakthrough Genomics
Classification: Benign. Review status: criteria provided, single submitter. Criteria: ACMG Guidelines, 2015. Collection method: not provided. Allele origin: germline. Inheritance: Autosomal recessive inheritance. Affected: yes.

NM_032141.4(NSRP1):c.20+302A>C

Genes: MIR423 (microRNA 423; plus strand), NSRP1 (nuclear speckle splicing regulatory protein 1; plus strand), LOC126862529 (BRD4-independent group 4 enhancer GRCh37_chr17:28443345-28444544; plus strand). Cytogenetic location: 17q11.2.
Variant type: single nucleotide variant.
Coding change: c.20+302A>C on transcript NM_032141.4 (MANE Select); 302 bases into the intron after coding-DNA position 20, A replaced by C.
Molecular consequence: intron variant. On other transcripts: non-coding transcript variant (1).
Genome position (GRCh38, 1-based): chr17:30,117,165, A>C. VCF-style: chr17-30117165-A-C. GRCh37 (hg19) VCF-style: chr17-28444183-A-C.
Other names: c.-49+302A>C (NM_001261467.2).
Identifiers: ClinVar variation 1221211 (VCV001221211.4), dbSNP rs6505162, ClinGen allele CA8479591.
Genomic context (GRCh38, chr17:30,117,165, plus strand): 5'-AGAGCGAGACTTTTCTATTTTCCAAAAGCTCGGTCTGAGGCCCCTCAGTCTTGCTTCCTA[A>C]CCCGCGCTTGAGTTTCTCCCCGCTTGGATGCTCTCAGGGGCAGTGTGAAGAGAGACAGTT-3'